The following is an entry in ClinVar:

NM_001079668.3(NKX2-1):c.749C>A (p.Ala250Asp)

Genes: NKX2-1 (NK2 homeobox 1; minus strand), SFTA3 (surfactant associated 3; minus strand). Cytogenetic location: 14q13.3.
Variant type: single nucleotide variant.
Coding change: c.749C>A on transcript NM_001079668.3 (MANE Select); coding-DNA position 749, C replaced by A.
Protein change: p.Ala250Asp; replaces alanine 250 with aspartic acid.
Molecular consequence: missense variant.
Genome position (GRCh38, 1-based): chr14:36,517,735, G>T on the plus strand (C>A on the coding strand, the complement: NKX2-1 is on the minus strand). VCF-style: chr14-36517735-G-T. GRCh37 (hg19) VCF-style: chr14-36986940-G-T.
Other names: c.659C>A, p.Ala220Asp (NM_003317.4); short protein forms A220D, A250D.
Identifiers: ClinVar variation 4626170 (VCV004626170.1).

ClinVar aggregate classification (germline): Uncertain significance (1 of 4 stars; one submission).

Conditions:
Inborn genetic diseases. Identifiers: MedGen C0950123, MeSH D030342.

Submission:

Ambry Genetics
Classification: Uncertain significance for Inborn genetic diseases. Last evaluated: 2025-11-20. Review status: criteria provided, single submitter. Criteria: Ambry Variant Classification Scheme 2023. Collection method: clinical testing. Allele origin: germline.
Comment: The c.659C>A (p.A220D) alteration is located in exon 2 (coding exon 2) of the NKX2-1 gene. This alteration results from a C to A substitution at nucleotide position 659, causing the alanine (A) at amino acid position 220 to be replaced by an aspartic acid (D). Based on data from gnomAD, the A allele has an overall frequency of <0.001% (1/243884) total alleles studied. The highest observed frequency was 0.001% (1/109858) of European (non-Finnish) alleles. Based on insufficient or conflicting evidence, the clinical significance of this alteration remains unclear.